The following is an entry in ClinVar:

NM_002292.4(LAMB2):c.52C>T (p.Leu18Phe)

Gene: LAMB2 (laminin subunit beta 2; minus strand). Cytogenetic location: 3p21.31.
Variant type: single nucleotide variant.
Coding change: c.52C>T on transcript NM_002292.4 (MANE Select); coding-DNA position 52, C replaced by T.
Protein change: p.Leu18Phe; replaces leucine 18 with phenylalanine.
Molecular consequence: missense variant.
Genome position (GRCh38, 1-based): chr3:49,132,816, G>A on the plus strand (C>T on the coding strand, the complement: LAMB2 is on the minus strand). VCF-style: chr3-49132816-G-A. GRCh37 (hg19) VCF-style: chr3-49170249-G-A.
Other names: short protein forms L18F.
Identifiers: ClinVar variation 2952430 (VCV002952430.3), dbSNP rs2472561143, ClinGen allele CA352756526.
Genomic context (GRCh38, chr3:49,132,816, plus strand): 5'-ATTCCACAACCCCCAGCCCCCACCAGGCCCTCTCACCGCTTAGCAGTAGGCCCAGTCGAA[G>A]TTCCCAGGGCAGAGGCTGTCCCCTCCCTCTTTCCCTTGAGGTCAGCTCCATCCTGAAGAG-3'
Protein context (NP_002283.3, residues 8-28): RGRGQPLPWE[Leu18Phe]RLGLLLSVLA

ClinVar aggregate classification (germline): Uncertain significance (1 of 4 stars; one submission).

Conditions:
Pierson syndrome. Also called: MICROCORIA-CONGENITAL NEPHROTIC SYNDROME. Identifiers: Orphanet 2670, MedGen C1836876, MONDO:0012184, OMIM 609049.
LAMB2-related infantile-onset nephrotic syndrome. Also called: Nephrotic Syndrome, type 5; NEPHROTIC SYNDROME, TYPE 5, WITHOUT OCULAR ABNORMALITIES; NEPHROTIC SYNDROME, TYPE 5, WITH OCULAR ABNORMALITIES. Identifiers: Orphanet 306507, MedGen C3280113, MONDO:0013621, OMIM 614199.

Submission:

Labcorp Genetics (formerly Invitae), Labcorp
Classification: Uncertain significance for LAMB2-related infantile-onset nephrotic syndrome; Pierson syndrome. Last evaluated: 2023-10-09. Review status: criteria provided, single submitter. Criteria: Invitae Variant Classification Sherloc (09022015). Collection method: clinical testing. Allele origin: germline.
Comment: This sequence change replaces leucine, which is neutral and non-polar, with phenylalanine, which is neutral and non-polar, at codon 18 of the LAMB2 protein (p.Leu18Phe). This variant is not present in population databases (gnomAD no frequency). This variant has not been reported in the literature in individuals affected with LAMB2-related conditions. Algorithms developed to predict the effect of missense changes on protein structure and function output the following: SIFT: "Not Available"; PolyPhen-2: "Benign"; Align-GVGD: "Not Available". The phenylalanine amino acid residue is found in multiple mammalian species, which suggests that this missense change does not adversely affect protein function. In summary, the available evidence is currently insufficient to determine the role of this variant in disease. Therefore, it has been classified as a Variant of Uncertain Significance.